The following is an entry in ClinVar:

ClinVar aggregate classification (germline): Uncertain significance (1 of 4 stars; one submission).

Submission:

Labcorp Genetics (formerly Invitae), Labcorp
Classification: Uncertain significance. Last evaluated: 2021-06-14. Review status: criteria provided, single submitter. Criteria: Invitae Variant Classification Sherloc (09022015). Collection method: clinical testing. Allele origin: germline.
Comment: This variant, c.590_592dup, results in the insertion of 1 amino acid(s) to the HES7 protein (p.Leu197dup), but otherwise preserves the integrity of the reading frame. The frequency data for this variant in the population databases is considered unreliable, as metrics indicate insufficient coverage at this position in the ExAC database. This variant has not been reported in the literature in individuals with HES7-related conditions. Experimental studies and prediction algorithms are not available or were not evaluated, and the functional significance of this variant is currently unknown. In summary, the available evidence is currently insufficient to determine the role of this variant in disease. Therefore, it has been classified as a Variant of Uncertain Significance.

NM_001165967.2(HES7):c.602TGC[3] (p.Leu202dup)

Genes: HES7 (hes family bHLH transcription factor 7; minus strand), LOC130060203 (ATAC-STARR-seq lymphoblastoid silent region 8155; plus strand). Cytogenetic location: 17p13.1.
Variant type: Microsatellite.
Coding change: c.602TGC[3] on transcript NM_001165967.2 (MANE Select); three copies in a row of the 3-base unit TGC starting at c.602; the reference has two copies in a row; one copy, 3 bases duplicated.
Protein change: p.Leu202dup; duplicates leucine 202.
Molecular consequence: inframe insertion.
Genome position (GRCh38, 1-based): chr17:8,121,657-8,121,659, GCA duplicated on the plus strand (TGC on the coding strand, the reverse complement: HES7 is on the minus strand); duplicating any 3 consecutive bases within chr17:8,121,657-8,121,663 gives the same sequence; the position shown is the placement nearest the transcript's 3' end. VCF-style (leftmost placement, unchanged base first): chr17-8121656-G-GGCA. GRCh37 (hg19) VCF-style: chr17-8024974-G-GGCA.
Other names: c.587TGC[3], p.Leu197dup (NM_032580.4).
Identifiers: ClinVar variation 1447965 (VCV001447965.8), dbSNP rs1406071405, ClinGen allele CA775623195.